The following is an entry in ClinVar:

ClinVar aggregate classification (germline): Uncertain significance (1 of 4 stars; one submission).

gnomAD v4.1: 44 of 1,614,008 alleles (0.0027%); highest among the groups gnomAD compares: Non-Finnish European, 0.0033%; no homozygotes.

Submission:

Labcorp Genetics (formerly Invitae), Labcorp
Classification: Uncertain significance. Last evaluated: 2024-05-10. Review status: criteria provided, single submitter. Criteria: Invitae Variant Classification Sherloc (09022015). Collection method: clinical testing. Allele origin: germline.
Comment: This sequence change replaces arginine, which is basic and polar, with glutamine, which is neutral and polar, at codon 190 of the PODXL protein (p.Arg190Gln). This variant is present in population databases (rs201501253, gnomAD 0.01%). This variant has not been reported in the literature in individuals affected with PODXL-related conditions. An algorithm developed to predict the effect of missense changes on protein structure and function (PolyPhen-2) suggests that this variant is likely to be tolerated. In summary, the available evidence is currently insufficient to determine the role of this variant in disease. Therefore, it has been classified as a Variant of Uncertain Significance.

NM_001018111.3(PODXL):c.569G>A (p.Arg190Gln)

Gene: PODXL (podocalyxin like; minus strand). Cytogenetic location: 7q32.3.
Variant type: single nucleotide variant.
Coding change: c.569G>A on transcript NM_001018111.3 (MANE Select); coding-DNA position 569, G replaced by A.
Protein change: p.Arg190Gln; replaces arginine 190 with glutamine.
Molecular consequence: missense variant.
Genome position (GRCh38, 1-based): chr7:131,510,965, C>T on the plus strand (G>A on the coding strand, the complement: PODXL is on the minus strand). VCF-style: chr7-131510965-C-T. GRCh37 (hg19) VCF-style: chr7-131195724-C-T.
Other names: c.569G>A, p.Arg190Gln (NM_005397.4); short protein forms R190Q.
Identifiers: ClinVar variation 3713439 (VCV003713439.2).
Genomic context (GRCh38, chr7:131,510,965, plus strand): 5'-ATAAGATGGTCATGTCCCGAGCTTGTTGGGGTGGCCACAGGATGCGTCGAAGTGGGTTGT[C>T]GGGGGCTAAGTGGACTTGTAGGGTGAGGGGTCGTCAGATGTTCTGCCTTAGTGGATGTGA-3'
Protein context (NP_001018121.1, residues 180-200): TPHPTSPLSP[Arg190Gln]QPTSTHPVAT